The following is an entry in ClinVar:

NM_001843.4(CNTN1):c.2167C>G (p.Leu723Val)

Gene: CNTN1 (contactin 1; plus strand). Cytogenetic location: 12q12.
Variant type: single nucleotide variant.
Coding change: c.2167C>G on transcript NM_001843.4 (MANE Select); coding-DNA position 2167, C replaced by G.
Protein change: p.Leu723Val; replaces leucine 723 with valine.
Molecular consequence: missense variant.
Genome position (GRCh38, 1-based): chr12:41,014,281, C>G. VCF-style: chr12-41014281-C-G. GRCh37 (hg19) VCF-style: chr12-41408083-C-G.
Other names: c.2134C>G, p.Leu712Val (NM_175038.2); short protein forms L723V, L712V.
Identifiers: ClinVar variation 2202448 (VCV002202448.4), dbSNP rs2499710918, ClinGen allele CA384586547.

ClinVar aggregate classification (germline): Uncertain significance (1 of 4 stars; one submission).

Conditions:
Compton-North congenital myopathy (CMYO12). Identifiers: Orphanet 210163, MedGen C2675527, MONDO:0012929, OMIM 612540.

Allele frequency attached by ClinVar (database versions not stated): gnomAD exomes below 0.00001.
gnomAD v4.1: 1 of 1,613,936 alleles (0.000062%); highest among the groups gnomAD compares: Non-Finnish European, 0.000085%; no homozygotes.

Submission:

Labcorp Genetics (formerly Invitae), Labcorp
Classification: Uncertain significance for Compton-North congenital myopathy. Last evaluated: 2022-04-11. Review status: criteria provided, single submitter. Criteria: Invitae Variant Classification Sherloc (09022015). Collection method: clinical testing. Allele origin: germline.
Comment: This sequence change replaces leucine, which is neutral and non-polar, with valine, which is neutral and non-polar, at codon 723 of the CNTN1 protein (p.Leu723Val). This variant is not present in population databases (gnomAD no frequency). In summary, the available evidence is currently insufficient to determine the role of this variant in disease. Therefore, it has been classified as a Variant of Uncertain Significance. Advanced modeling of protein sequence and biophysical properties (such as structural, functional, and spatial information, amino acid conservation, physicochemical variation, residue mobility, and thermodynamic stability) performed at Invitae indicates that this missense variant is not expected to disrupt CNTN1 protein function. This variant has not been reported in the literature in individuals affected with CNTN1-related conditions.